The following is an entry in ClinVar:

ClinVar aggregate classification (germline): Uncertain significance. Review status: criteria provided, multiple submitters, no conflicts (2 of 4 stars). 2 submissions from 2 submitters: Uncertain significance (2). Last evaluated 2024-01-19.

Conditions:
Inborn genetic diseases. Identifiers: MedGen C0950123, MeSH D030342.

Allele frequency attached by ClinVar (database versions not stated): gnomAD exomes 0.00002; ExAC 0.00003; gnomAD 0.00007; TOPMed 0.00006.
gnomAD v4.1: 40 of 1,614,052 alleles (0.0025%); highest among the groups gnomAD compares: Admixed American, 0.018%; no homozygotes.

Submissions (2):

Ambry Genetics
Classification: Uncertain significance for Inborn genetic diseases. Last evaluated: 2024-01-19. Review status: criteria provided, single submitter. Criteria: Ambry Variant Classification Scheme 2023. Collection method: clinical testing. Allele origin: germline.

Labcorp Genetics (formerly Invitae), Labcorp
Classification: Uncertain significance. Last evaluated: 2023-12-07. Review status: criteria provided, single submitter. Criteria: Invitae Variant Classification Sherloc (09022015). Collection method: clinical testing. Allele origin: germline.
Comment: This sequence change replaces glutamic acid, which is acidic and polar, with lysine, which is basic and polar, at codon 338 of the VAC14 protein (p.Glu338Lys). This variant is present in population databases (rs749815790, gnomAD 0.02%). This variant has not been reported in the literature in individuals affected with VAC14-related conditions. ClinVar contains an entry for this variant (Variation ID: 2064595). Advanced modeling of protein sequence and biophysical properties (such as structural, functional, and spatial information, amino acid conservation, physicochemical variation, residue mobility, and thermodynamic stability) performed at Invitae indicates that this missense variant is not expected to disrupt VAC14 protein function with a negative predictive value of 80%. In summary, the available evidence is currently insufficient to determine the role of this variant in disease. Therefore, it has been classified as a Variant of Uncertain Significance.

NM_018052.5(VAC14):c.1012G>A (p.Glu338Lys)

Gene: VAC14 (VAC14 component of PIKFYVE complex; minus strand). Cytogenetic location: 16q22.1.
Variant type: single nucleotide variant.
Coding change: c.1012G>A on transcript NM_018052.5 (MANE Select); coding-DNA position 1012, G replaced by A.
Protein change: p.Glu338Lys; replaces glutamic acid 338 with lysine.
Molecular consequence: missense variant.
Genome position (GRCh38, 1-based): chr16:70,780,874, C>T on the plus strand (G>A on the coding strand, the complement: VAC14 is on the minus strand). VCF-style: chr16-70780874-C-T. GRCh37 (hg19) VCF-style: chr16-70814777-C-T.
Other names: c.310G>A, p.Glu104Lys (NM_001351157.2); c.1012G>A (NM_018052.3); short protein forms E338K, E104K.
Identifiers: ClinVar variation 2064595 (VCV002064595.5), dbSNP rs749815790, ClinGen allele CA8147862.
Genomic context (GRCh38, chr16:70,780,874, plus strand): 5'-GCAGGGCATCGTCAGGGGTGGGCTCTGCCTGCCTCTGCCCAGGTCTCAGCTCATCCAGCT[C>T]GTCGTCCTCGGGGGTGACCAGCTTCATCAGGCTCTGGTTGCACACGTTGGCCACTTCTTT-3'
Protein context (NP_060522.3, residues 328-348): LMKLVTPEDD[Glu338Lys]LDELRPGQRQ